The following is an entry in ClinVar:

NM_001291415.2(KDM6A):c.3277T>G (p.Ser1093Ala)

Gene: KDM6A (lysine demethylase 6A; plus strand). Cytogenetic location: Xp11.3.
Variant type: single nucleotide variant.
Coding change: c.3277T>G on transcript NM_001291415.2 (MANE Select); coding-DNA position 3277, T replaced by G.
Protein change: p.Ser1093Ala; replaces serine 1093 with alanine.
Molecular consequence: missense variant. On other transcripts: non-coding transcript variant (1).
Genome position (GRCh38, 1-based): chrX:45,079,328, T>G. VCF-style: chrX-45079328-T-G. GRCh37 (hg19) VCF-style: chrX-44938573-T-G.
Other names: c.3142T>G, p.Ser1048Ala (NM_001291416.2, NM_001419811.1); c.2986T>G, p.Ser996Ala (NM_001291417.2); c.2884T>G, p.Ser962Ala (NM_001291418.2, NM_001419815.1); c.2233T>G, p.Ser745Ala (NM_001291421.2); c.3019T>G, p.Ser1007Ala (NM_001410742.1, NM_001419814.1); c.3277T>G, p.Ser1093Ala (NM_001419809.1); c.3175T>G, p.Ser1059Ala (NM_001419810.1, NM_001419813.1); c.3121T>G, p.Ser1041Ala (NM_001419812.1, NM_021140.4); and 1 more; short protein forms S1041A, S1093A, S745A, S962A, S996A, S1007A, S1059A, S1048A.
Identifiers: ClinVar variation 2844232 (VCV002844232.5), dbSNP rs2045280727, ClinGen allele CA412802097.

ClinVar aggregate classification (germline): Uncertain significance. Review status: criteria provided, multiple submitters, no conflicts (2 of 4 stars). 2 submissions from 2 submitters: Uncertain significance (2). Last evaluated 2026-08-11.

Conditions:
Kabuki syndrome 2 (KABUK2). Also called: KDM6A-Related Kabuki Syndrome. Identifiers: Orphanet 2322, MedGen C3275495, MONDO:0010465, OMIM 300867.

Allele frequency attached by ClinVar (database versions not stated): gnomAD exomes below 0.00001; TOPMed below 0.00001.
gnomAD v4.1: 1 of 1,180,607 alleles (0.000085%); highest among the groups gnomAD compares: African/African-American, 0.0017%; no homozygotes.

Submissions (2):

GeneDx
Classification: Uncertain significance. Last evaluated: 2026-08-11. Review status: criteria provided, single submitter. Criteria: GeneDx Variant Classification Process June 2021. Collection method: clinical testing. Allele origin: germline.
Comment: In silico analysis suggests that this missense variant does not alter protein structure/function; Not observed at significant frequency in large population cohorts (gnomAD); Has not been previously published as pathogenic or benign to our knowledge

Labcorp Genetics (formerly Invitae), Labcorp
Classification: Uncertain significance for Kabuki syndrome 2. Last evaluated: 2023-12-06. Review status: criteria provided, single submitter. Criteria: Invitae Variant Classification Sherloc (09022015). Collection method: clinical testing. Allele origin: germline.
Comment: This sequence change replaces serine, which is neutral and polar, with alanine, which is neutral and non-polar, at codon 1041 of the KDM6A protein (p.Ser1041Ala). This variant is not present in population databases (gnomAD no frequency). This variant has not been reported in the literature in individuals affected with KDM6A-related conditions. Advanced modeling of protein sequence and biophysical properties (such as structural, functional, and spatial information, amino acid conservation, physicochemical variation, residue mobility, and thermodynamic stability) performed at Invitae indicates that this missense variant is not expected to disrupt KDM6A protein function with a negative predictive value of 80%. In summary, the available evidence is currently insufficient to determine the role of this variant in disease. Therefore, it has been classified as a Variant of Uncertain Significance.